The following is an entry in ClinVar:

NM_198525.3(KIF7):c.1762G>A (p.Glu588Lys)

Gene: KIF7 (kinesin family member 7; minus strand). Cytogenetic location: 15q26.1.
Variant type: single nucleotide variant.
Coding change: c.1762G>A on transcript NM_198525.3 (MANE Select); coding-DNA position 1762, G replaced by A.
Protein change: p.Glu588Lys; replaces glutamic acid 588 with lysine.
Molecular consequence: missense variant.
Genome position (GRCh38, 1-based): chr15:89,646,856, C>T on the plus strand (G>A on the coding strand, the complement: KIF7 is on the minus strand). VCF-style: chr15-89646856-C-T. GRCh37 (hg19) VCF-style: chr15-90190087-C-T.
Other names: c.1762G>A (NM_198525.2); short protein forms E588K.
Identifiers: ClinVar variation 1423298 (VCV001423298.5), dbSNP rs746549341, ClinGen allele CA7728469.

ClinVar aggregate classification (germline): Uncertain significance. Review status: criteria provided, multiple submitters, no conflicts (2 of 4 stars). 2 submissions from 2 submitters: Uncertain significance (2). Last evaluated 2023-04-05.

Conditions:
Acrocallosal syndrome (ACLS). Also called: Schinzel syndrome 1; Absence of corpus callosum with unusual facial appearance, mental deficiency, duplication of the halluces and polydactyly; HALLUX DUPLICATION, POSTAXIAL POLYDACTYLY, AND ABSENCE OF CORPUS CALLOSUM. Identifiers: Orphanet 36, MedGen C0796147, MONDO:0008708, OMIM 200990.
Inborn genetic diseases. Identifiers: MedGen C0950123, MeSH D030342.

Allele frequency attached by ClinVar (database versions not stated): ExAC 0.00001; gnomAD exomes 0.00001 and 0.00002; TOPMed 0.00002.
gnomAD v4.1: 4 of 1,614,134 alleles (0.00025%); highest among the groups gnomAD compares: Admixed American, 0.0067%; no homozygotes.

Submissions (2):

Ambry Genetics
Classification: Uncertain significance for Inborn genetic diseases. Last evaluated: 2023-04-05. Review status: criteria provided, single submitter. Criteria: Ambry Variant Classification Scheme 2023. Collection method: clinical testing. Allele origin: germline.

Labcorp Genetics (formerly Invitae), Labcorp
Classification: Uncertain significance for Acrocallosal syndrome. Last evaluated: 2022-08-15. Review status: criteria provided, single submitter. Criteria: Invitae Variant Classification Sherloc (09022015). Collection method: clinical testing. Allele origin: germline.
Comment: This variant is present in population databases (rs746549341, gnomAD 0.01%). In summary, the available evidence is currently insufficient to determine the role of this variant in disease. Therefore, it has been classified as a Variant of Uncertain Significance. Algorithms developed to predict the effect of missense changes on protein structure and function (SIFT, PolyPhen-2, Align-GVGD) all suggest that this variant is likely to be tolerated. ClinVar contains an entry for this variant (Variation ID: 1423298). This variant has not been reported in the literature in individuals affected with KIF7-related conditions. This sequence change replaces glutamic acid, which is acidic and polar, with lysine, which is basic and polar, at codon 588 of the KIF7 protein (p.Glu588Lys).